The following is an entry in ClinVar:

NM_005902.4(SMAD3):c.633G>A (p.Pro211=)

Gene: SMAD3 (SMAD family member 3; plus strand). Cytogenetic location: 15q22.33.
Variant type: single nucleotide variant.
Coding change: c.633G>A on transcript NM_005902.4 (MANE Select); coding-DNA position 633, G replaced by A.
Protein change: p.Pro211=; no amino-acid change (proline 211 retained).
Molecular consequence: synonymous variant.
Genome position (GRCh38, 1-based): chr15:67,170,579, G>A. VCF-style: chr15-67170579-G-A. GRCh37 (hg19) VCF-style: chr15-67462917-G-A.
Other names: c.318G>A, p.Pro106= (NM_001145102.2); c.501G>A, p.Pro167= (NM_001145103.2); c.48G>A, p.Pro16= (NM_001145104.2).
Identifiers: ClinVar variation 744945 (VCV000744945.15), dbSNP rs776009102, ClinGen allele CA062443.

ClinVar aggregate classification (germline): Conflicting classifications of pathogenicity. Review status: criteria provided, conflicting classifications (1 of 4 stars). 5 submissions from 5 submitters: Uncertain significance (1); Likely benign (4). Last evaluated 2024-12-18.

Conditions:
Aneurysm-osteoarthritis syndrome. Also called: ANEURYSMS-OSTEOARTHRITIS SYNDROME; LOEYS-DIETZ SYNDROME WITH OSTEOARTHRITIS; Loeys-Dietz syndrome, type 1C; SMAD3-Related Loeys-Dietz Syndrome. Identifiers: Orphanet 284984, MedGen C3151087, MONDO:0013426, OMIM 613795.
Familial thoracic aortic aneurysm and aortic dissection (TAAD). Also called: Thoracic aortic aneurysms and dissections. Identifiers: Orphanet 91387, MedGen C4707243, MONDO:0019625.

Allele frequency attached by ClinVar (database versions not stated): gnomAD 0.00001; ExAC 0.00002; gnomAD exomes 0.00002 and 0.00003.
gnomAD v4.1: 29 of 1,613,808 alleles (0.0018%); highest among the groups gnomAD compares: South Asian, 0.015%; no homozygotes.

Submissions (5):

Ambry Genetics
Classification: Uncertain significance for Familial thoracic aortic aneurysm and aortic dissection. Last evaluated: 2024-12-18. Review status: criteria provided, single submitter. Criteria: Ambry Variant Classification Scheme 2023. Collection method: clinical testing. Allele origin: germline.
Comment: The c.633G>A variant (also known as p.P211P), located in coding exon 5 of the SMAD3 gene, results from a G to A substitution at nucleotide position 633. This nucleotide substitution does not change the amino acid at codon 211. This nucleotide position is not well conserved in available vertebrate species. In silico splice site analysis predicts that this alteration may weaken the native splice acceptor site. Based on the available evidence, the clinical significance of this variant remains unclear.

All of Us Research Program, National Institutes of Health
Classification: Likely benign for Aneurysm-osteoarthritis syndrome. Last evaluated: 2023-12-13. Review status: criteria provided, single submitter. Criteria: ACMG Guidelines, 2015. Collection method: clinical testing. Allele origin: germline. Inheritance: Autosomal dominant inheritance. Observed: 2 variant alleles, 2 heterozygotes.
Comment: This study involves interpretation of variants in research participants for the purpose of population health screening. Participant phenotype was not available at the time of variant classification. Additional details can be found in publication PMID: 35346344, PMCID: PMC8962531

Labcorp Genetics (formerly Invitae), Labcorp
Classification: Likely benign for Familial thoracic aortic aneurysm and aortic dissection. Last evaluated: 2023-11-20. Review status: criteria provided, single submitter. Criteria: Invitae Variant Classification Sherloc (09022015). Collection method: clinical testing. Allele origin: germline.

CHEO Genetics Diagnostic Laboratory, Children's Hospital of Eastern Ontario
Classification: Likely benign for Familial thoracic aortic aneurysm and aortic dissection. Last evaluated: 2021-05-19. Review status: criteria provided, single submitter. Criteria: ACMG Guidelines, 2015. Collection method: clinical testing. Allele origin: germline.

Color Diagnostics, LLC DBA Color Health
Classification: Likely benign for Familial thoracic aortic aneurysm and aortic dissection. Last evaluated: 2019-11-16. Review status: criteria provided, single submitter. Criteria: ACMG Guidelines, 2015. Collection method: clinical testing. Allele origin: germline.